The following is an entry in ClinVar:

NM_001164508.2(NEB):c.20933A>G (p.Tyr6978Cys)

Gene: NEB (nebulin; minus strand). Cytogenetic location: 2q23.3.
Variant type: single nucleotide variant.
Coding change: c.20933A>G on transcript NM_001164508.2 (MANE Select); coding-DNA position 20933, A replaced by G.
Protein change: p.Tyr6978Cys; replaces tyrosine 6978 with cysteine.
Molecular consequence: missense variant.
Genome position (GRCh38, 1-based): chr2:151,538,204, T>C on the plus strand (A>G on the coding strand, the complement: NEB is on the minus strand). VCF-style: chr2-151538204-T-C. GRCh37 (hg19) VCF-style: chr2-152394718-T-C.
Other names: c.20933A>G, p.Tyr6978Cys (NM_001164507.2, NM_001271208.2); c.15830A>G, p.Tyr5277Cys (NM_004543.5); short protein forms Y6978C, Y5277C.
Identifiers: ClinVar variation 663791 (VCV000663791.8), dbSNP rs761780939, ClinGen allele CA348776435.

ClinVar aggregate classification (germline): Uncertain significance (1 of 4 stars; one submission).

Conditions:
Nemaline myopathy 2 (NEM2). Also called: Nemaline myopathy 2, autosomal recessive. Identifiers: MedGen C1850569, MONDO:0009725, OMIM 256030.

Allele frequency attached by ClinVar (database versions not stated): gnomAD 0.00001; TOPMed 0.00001.
gnomAD v4.1: 19 of 1,613,322 alleles (0.0012%); highest among the groups gnomAD compares: Admixed American, 0.0033%; no homozygotes.

Submission:

Labcorp Genetics (formerly Invitae), Labcorp
Classification: Uncertain significance for Nemaline myopathy 2. Last evaluated: 2022-08-15. Review status: criteria provided, single submitter. Criteria: Invitae Variant Classification Sherloc (09022015). Collection method: clinical testing. Allele origin: germline.
Comment: This sequence change replaces tyrosine, which is neutral and polar, with cysteine, which is neutral and slightly polar, at codon 6978 of the NEB protein (p.Tyr6978Cys). This variant is not present in population databases (gnomAD no frequency). This variant has not been reported in the literature in individuals affected with NEB-related conditions. ClinVar contains an entry for this variant (Variation ID: 663791). Algorithms developed to predict the effect of missense changes on protein structure and function are either unavailable or do not agree on the potential impact of this missense change (SIFT: "Deleterious"; PolyPhen-2: "Not Available"; Align-GVGD: "Class C0"). In summary, the available evidence is currently insufficient to determine the role of this variant in disease. Therefore, it has been classified as a Variant of Uncertain Significance.